The following is an entry in ClinVar:

NM_020822.3(KCNT1):c.162G>T (p.Met54Ile)

Gene: KCNT1 (potassium sodium-activated channel subfamily T member 1; plus strand). Cytogenetic location: 9q34.3.
Variant type: single nucleotide variant.
Coding change: c.162G>T on transcript NM_020822.3 (MANE Select); coding-DNA position 162, G replaced by T.
Protein change: p.Met54Ile; replaces methionine 54 with isoleucine.
Molecular consequence: missense variant. On other transcripts: intron variant (1).
Genome position (GRCh38, 1-based): chr9:135,714,628, G>T. VCF-style: chr9-135714628-G-T. GRCh37 (hg19) VCF-style: chr9-138606474-G-T.
Other names: c.110+12260G>T (NM_001272003.2); short protein forms M54I.
Identifiers: ClinVar variation 1480774 (VCV001480774.8), dbSNP rs2131329345, ClinGen allele CA375493286.
Genomic context (GRCh38, chr9:135,714,628, plus strand): 5'-TGCCCGCAGGCGGCCCTGCGCGGGGGACGGCGCGCTCCTGGACACCGCCGGCTTCAAGAT[G>T]AGCGACCTGGACTCCGAGGTGCTGCCCTTGCCGCCGCGCTACCGCTTCCGGGACCTGCTG-3'
Protein context (NP_065873.2, residues 44-64): GALLDTAGFK[Met54Ile]SDLDSEVLPL

ClinVar aggregate classification (germline): Uncertain significance (1 of 4 stars; one submission).

Conditions:
Autosomal dominant nocturnal frontal lobe epilepsy 5. Also called: KCNT1-Related Epilepsy; Epilepsy, nocturnal frontal lobe, 5; CILIARY DYSKINESIA, PRIMARY, 28, WITHOUT SITUS INVERSUS; CILIARY DYSKINESIA, PRIMARY, 28, WITH SITUS INVERSUS. Identifiers: Orphanet 98784, MedGen C3554306, MONDO:0014002, OMIM 615005.
Developmental and epileptic encephalopathy, 14 (DEE14). Also called: Early infantile epileptic encephalopathy 14. Identifiers: Orphanet 293181, MedGen C3554195, MONDO:0013989, OMIM 614959.

Submission:

Labcorp Genetics (formerly Invitae), Labcorp
Classification: Uncertain significance for Autosomal dominant nocturnal frontal lobe epilepsy 5; Developmental and epileptic encephalopathy, 14. Last evaluated: 2021-02-17. Review status: criteria provided, single submitter. Criteria: Invitae Variant Classification Sherloc (09022015). Collection method: clinical testing. Allele origin: germline.
Comment: In summary, the available evidence is currently insufficient to determine the role of this variant in disease. Therefore, it has been classified as a Variant of Uncertain Significance. Advanced modeling of protein sequence and biophysical properties (such as structural, functional, and spatial information, amino acid conservation, physicochemical variation, residue mobility, and thermodynamic stability) performed at Invitae indicates that this missense variant is not expected to disrupt KCNT1 protein function. This variant has not been reported in the literature in individuals with KCNT1-related conditions. This variant is not present in population databases (ExAC no frequency). This sequence change replaces methionine with isoleucine at codon 54 of the KCNT1 protein (p.Met54Ile). The methionine residue is weakly conserved and there is a small physicochemical difference between methionine and isoleucine.